The following is an entry in ClinVar:

NM_001080517.3(SETD5):c.3625G>A (p.Asp1209Asn)

Gene: SETD5 (SET domain containing 5; plus strand). Cytogenetic location: 3p25.3.
Variant type: single nucleotide variant.
Coding change: c.3625G>A on transcript NM_001080517.3 (MANE Select); coding-DNA position 3625, G replaced by A.
Protein change: p.Asp1209Asn; replaces aspartic acid 1209 with asparagine.
Molecular consequence: missense variant.
Genome position (GRCh38, 1-based): chr3:9,474,576, G>A. VCF-style: chr3-9474576-G-A. GRCh37 (hg19) VCF-style: chr3-9516260-G-A.
Other names: c.3331G>A, p.Asp1111Asn (NM_001349451.2, NM_001292043.2); short protein forms D1111N, D1209N.
Identifiers: ClinVar variation 1342800 (VCV001342800.5), dbSNP rs2125619078, ClinGen allele CA351689538.

ClinVar aggregate classification (germline): Uncertain significance. Review status: criteria provided, multiple submitters, no conflicts (2 of 4 stars). 2 submissions from 2 submitters: Uncertain significance (2). Last evaluated 2023-10-13.

Submissions (2):

Labcorp Genetics (formerly Invitae), Labcorp
Classification: Uncertain significance. Last evaluated: 2023-10-13. Review status: criteria provided, single submitter. Criteria: Invitae Variant Classification Sherloc (09022015). Collection method: clinical testing. Allele origin: germline.
Comment: This sequence change replaces aspartic acid, which is acidic and polar, with asparagine, which is neutral and polar, at codon 1209 of the SETD5 protein (p.Asp1209Asn). This variant is not present in population databases (gnomAD no frequency). This variant has not been reported in the literature in individuals affected with SETD5-related conditions. ClinVar contains an entry for this variant (Variation ID: 1342800). Advanced modeling of protein sequence and biophysical properties (such as structural, functional, and spatial information, amino acid conservation, physicochemical variation, residue mobility, and thermodynamic stability) performed at Invitae indicates that this missense variant is not expected to disrupt SETD5 protein function. In summary, the available evidence is currently insufficient to determine the role of this variant in disease. Therefore, it has been classified as a Variant of Uncertain Significance.

GeneDx
Classification: Uncertain significance. Last evaluated: 2022-02-17. Review status: criteria provided, single submitter. Criteria: GeneDx Variant Classification Process June 2021. Collection method: clinical testing. Allele origin: germline. Affected: yes.
Comment: Not observed at significant frequency in large population cohorts (gnomAD); In silico analysis supports that this missense variant does not alter protein structure/function; Has not been previously published as pathogenic or benign to our knowledge